The following is an entry in ClinVar:

NM_001128840.3(CACNA1D):c.1221A>G (p.Gly407=)

Gene: CACNA1D (calcium voltage-gated channel subunit alpha1 D; plus strand). Cytogenetic location: 3p21.1.
Variant type: single nucleotide variant.
Coding change: c.1221A>G on transcript NM_001128840.3 (MANE Select); coding-DNA position 1221, A replaced by G.
Protein change: p.Gly407=; no amino-acid change (glycine 407 retained).
Molecular consequence: synonymous variant.
Genome position (GRCh38, 1-based): chr3:53,702,641, A>G. VCF-style: chr3-53702641-A-G. GRCh37 (hg19) VCF-style: chr3-53736668-A-G.
Other names: c.1221A>G, p.Gly407= (NM_000720.4, NM_001128839.3).
Identifiers: ClinVar variation 2995922 (VCV002995922.3), dbSNP rs766637928, ClinGen allele CA2453879.

ClinVar aggregate classification (germline): Uncertain significance (1 of 4 stars; one submission).

Allele frequency attached by ClinVar (database versions not stated): gnomAD exomes 0.00001; TOPMed 0.00001; ExAC 0.00001; gnomAD 0.00001.
gnomAD v4.1: 20 of 1,613,610 alleles (0.0012%); highest among the groups gnomAD compares: Non-Finnish European, 0.0014%; no homozygotes.

Submission:

Labcorp Genetics (formerly Invitae), Labcorp
Classification: Uncertain significance. Last evaluated: 2025-09-17. Review status: criteria provided, single submitter. Criteria: Invitae Variant Classification Sherloc (09022015). Collection method: clinical testing. Allele origin: germline.
Comment: This sequence change affects codon 407 of the CACNA1D mRNA. It is a 'silent' change, meaning that it does not change the encoded amino acid sequence of the CACNA1D protein. It affects a nucleotide within the consensus splice site. This variant is present in population databases (rs766637928, gnomAD 0.004%). This variant has not been reported in the literature in individuals affected with CACNA1D-related conditions. ClinVar contains an entry for this variant (Variation ID: 2995922). Algorithms developed to predict the effect of sequence changes on RNA splicing suggest that this variant is not likely to affect RNA splicing. In summary, the available evidence is currently insufficient to determine the role of this variant in disease. Therefore, it has been classified as a Variant of Uncertain Significance.